The following is an entry in ClinVar:

NM_001693.4(ATP6V1B2):c.-1G>C

Genes: ATP6V1B2 (ATPase H+ transporting V1 subunit B2; plus strand), LOC129999955 (ATAC-STARR-seq lymphoblastoid silent region 18971; plus strand). Cytogenetic location: 8p21.3.
Variant type: single nucleotide variant.
Coding change: c.-1G>C on transcript NM_001693.4 (MANE Select); 1 bases upstream of the start codon, G replaced by C.
Molecular consequence: 5 prime UTR variant.
Genome position (GRCh38, 1-based): chr8:20,197,406, G>C. VCF-style: chr8-20197406-G-C. GRCh37 (hg19) VCF-style: chr8-20054917-G-C.
Identifiers: ClinVar variation 3049281 (VCV003049281.2), dbSNP rs74929830, ClinGen allele CA4656654.
Genomic context (GRCh38, chr8:20,197,406, plus strand): 5'-CCTTGGTATATCTGCGCGTGCGCGGCGTCGCTGCTGGGCCAGTCGGGACAGAGGAGACAA[G>C]ATGGCGCTGCGGGCGATGCGGGGGATTGTCAACGGGGCCGCACCCGAGCTACCCGTGCCC-3'

ClinVar aggregate classification (germline): Likely benign (0 of 4 stars; one submission).

Conditions:
ATP6V1B2-related disorder. Also called: ATP6V1B2-related condition.

Allele frequency attached by ClinVar (database versions not stated): ESP Exome Variant Server 0.00054; gnomAD 0.00066; 1000 Genomes Project 0.00080; 1000 Genomes Project 30x 0.00125.
gnomAD v4.1: 171 of 1,540,976 alleles (0.011%); highest among the groups gnomAD compares: African/African-American, 0.23%; 1 homozygote.

Submission:

PreventionGenetics, part of Exact Sciences
Classification: Likely benign for ATP6V1B2-related condition. Last evaluated: 2019-11-26. Review status: no assertion criteria provided. Collection method: clinical testing. Allele origin: germline.
Comment: This variant is classified as likely benign based on ACMG/AMP sequence variant interpretation guidelines (Richards et al. 2015 PMID: 25741868, with internal and published modifications).